The following is an entry in ClinVar:

NM_001367624.2(ZNF469):c.6827C>A (p.Ala2276Asp)

Gene: ZNF469 (zinc finger protein 469; plus strand). Cytogenetic location: 16q24.2.
Variant type: single nucleotide variant.
Coding change: c.6827C>A on transcript NM_001367624.2 (MANE Select); coding-DNA position 6827, C replaced by A.
Protein change: p.Ala2276Asp; replaces alanine 2276 with aspartic acid.
Molecular consequence: missense variant.
Genome position (GRCh38, 1-based): chr16:88,434,297, C>A. VCF-style: chr16-88434297-C-A. GRCh37 (hg19) VCF-style: chr16-88500705-C-A.
Other names: short protein forms A2276D.
Identifiers: ClinVar variation 2134781 (VCV002134781.4), dbSNP rs749410217, ClinGen allele CA397107168.

ClinVar aggregate classification (germline): Uncertain significance (1 of 4 stars; one submission).

Allele frequency attached by ClinVar (database versions not stated): TOPMed below 0.00001; gnomAD 0.00001.
gnomAD v4.1: 1 of 1,550,270 alleles (0.000065%); highest among the groups gnomAD compares: Non-Finnish European, 0.000087%; no homozygotes.

Submission:

Labcorp Genetics (formerly Invitae), Labcorp
Classification: Uncertain significance. Last evaluated: 2024-06-17. Review status: criteria provided, single submitter. Criteria: Invitae Variant Classification Sherloc (09022015). Collection method: clinical testing. Allele origin: germline.
Comment: This sequence change replaces alanine, which is neutral and non-polar, with aspartic acid, which is acidic and polar, at codon 2248 of the ZNF469 protein (p.Ala2248Asp). This variant is not present in population databases (gnomAD no frequency). This variant has not been reported in the literature in individuals affected with ZNF469-related conditions. ClinVar contains an entry for this variant (Variation ID: 2134781). Algorithms developed to predict the effect of missense changes on protein structure and function output the following: SIFT: "Not Available"; PolyPhen-2: "Benign"; Align-GVGD: "Not Available". The aspartic acid amino acid residue is found in multiple mammalian species, which suggests that this missense change does not adversely affect protein function. In summary, the available evidence is currently insufficient to determine the role of this variant in disease. Therefore, it has been classified as a Variant of Uncertain Significance.